The following is an entry in ClinVar:

ClinVar aggregate classification (germline): Likely benign (0 of 4 stars; one submission).

Conditions:
ATN1-related disorder. Also called: ATN1-related condition; ATN1-related disorders.

Allele frequency attached by ClinVar (database versions not stated): gnomAD exomes 0.00018; gnomAD 0.00022; TOPMed 0.00031; ExAC 0.00049.
gnomAD v4.1: 299 of 1,498,628 alleles (0.02%); highest among the groups gnomAD compares: Middle Eastern, 0.035%; 1 homozygote.

Submission:

PreventionGenetics, part of Exact Sciences
Classification: Likely benign for ATN1-related condition. Last evaluated: 2021-03-23. Review status: no assertion criteria provided. Collection method: clinical testing. Allele origin: germline.
Comment: This variant is classified as likely benign based on ACMG/AMP sequence variant interpretation guidelines (Richards et al. 2015 PMID: 25741868, with internal and published modifications).

NM_001940.4(ATN1):c.2289T>A (p.Ser763=)

Genes: ATN1 (atrophin 1; plus strand), LOC130007290 (ATAC-STARR-seq lymphoblastoid silent region 4195; plus strand). Cytogenetic location: 12p13.31.
Variant type: single nucleotide variant.
Coding change: c.2289T>A on transcript NM_001940.4 (MANE Select); coding-DNA position 2289, T replaced by A.
Protein change: p.Ser763=; no amino-acid change (serine 763 retained).
Molecular consequence: synonymous variant.
Genome position (GRCh38, 1-based): chr12:6,937,556, T>A. VCF-style: chr12-6937556-T-A. GRCh37 (hg19) VCF-style: chr12-7046719-T-A.
Other names: c.2289T>A, p.Ser763= (NM_001007026.2, NM_001424176.1, NM_001424177.1 and 1 more transcripts); c.2286T>A, p.Ser762= (NM_001424179.1, NM_001424180.1); c.2268T>A, p.Ser756= (NM_001424181.1); c.2265T>A, p.Ser755= (NM_001424182.1).
Identifiers: ClinVar variation 3047820 (VCV003047820.2), dbSNP rs782143871, ClinGen allele CA6420788.
Genomic context (GRCh38, chr12:6,937,556, plus strand): 5'-AGCCCGCAGCCCCTCGCCCCCTCCCAAGGTGGTAGATGTACCCAGCCATGCCAGTCAGTC[T>A]GCCAGGTGAGCGGCCAGGTGGGGCGGAGGTGGGCCTGGAAAGGGGACGACGACAAGGCGG-3'
Protein context (NP_001931.2, residues 753-773): VVDVPSHASQ[Ser763=]ARFNKHLDRG